The following is an entry in ClinVar:

ClinVar aggregate classification (germline): Pathogenic (1 of 4 stars; one submission).

Submission:

Labcorp Genetics (formerly Invitae), Labcorp
Classification: Pathogenic. Last evaluated: 2023-08-05. Review status: criteria provided, single submitter. Criteria: Invitae Variant Classification Sherloc (09022015). Collection method: clinical testing. Allele origin: germline.
Comment: For these reasons, this variant has been classified as Pathogenic. This variant has not been reported in the literature in individuals affected with COX15-related conditions. This variant is not present in population databases (gnomAD no frequency). This sequence change creates a premature translational stop signal (p.Val100Glyfs*32) in the COX15 gene. It is expected to result in an absent or disrupted protein product. Loss-of-function variants in COX15 are known to be pathogenic (PMID: 15863660, 21412973).

Literature cited by the submitters: PubMed 15863660; PubMed 21412973.

NM_078470.6(COX15):c.298dup (p.Val100fs)

Gene: COX15 (cytochrome c oxidase assembly factor COX15; minus strand). Cytogenetic location: 10q24.2.
Variant type: Duplication.
Coding change: c.298dup on transcript NM_078470.6 (MANE Select); coding-DNA position 298, one base duplicated (G; older notation c.298dupG).
Protein change: p.Val100fs; shifts the reading frame from valine 100.
Molecular consequence: frameshift variant. On other transcripts: 5 prime UTR variant (1), non-coding transcript variant (1).
Genome position (GRCh38, 1-based): chr10:99,727,538, C duplicated on the plus strand (G on the coding strand, the reverse complement: COX15 is on the minus strand); the first of 2 consecutive C bases (chr10:99,727,538-99,727,539); duplicating either gives the same sequence. VCF-style (leftmost placement, unchanged base first): chr10-99727537-A-AC. GRCh37 (hg19) VCF-style: chr10-101487294-A-AC.
Other names: c.298dup, p.Val100fs (NM_001320974.2, NM_001320975.2, NM_001372024.1 and 5 more transcripts); c.-157dup (NM_001320976.2); short protein forms V100fs.
Identifiers: ClinVar variation 2750450 (VCV002750450.3), dbSNP rs2492726663, ClinGen allele CA2697558713.